The following is an entry in ClinVar:

ClinVar aggregate classification (germline): Uncertain significance (1 of 4 stars; one submission).

Submission:

Labcorp Genetics (formerly Invitae), Labcorp
Classification: Uncertain significance. Last evaluated: 2023-03-13. Review status: criteria provided, single submitter. Criteria: Invitae Variant Classification Sherloc (09022015). Collection method: clinical testing. Allele origin: germline.
Comment: This variant is present in population databases (no rsID available, gnomAD 0.004%). This sequence change replaces aspartic acid, which is acidic and polar, with glycine, which is neutral and non-polar, at codon 652 of the LRPPRC protein (p.Asp652Gly). This variant has not been reported in the literature in individuals affected with LRPPRC-related conditions. Advanced modeling of protein sequence and biophysical properties (such as structural, functional, and spatial information, amino acid conservation, physicochemical variation, residue mobility, and thermodynamic stability) performed at Invitae indicates that this missense variant is not expected to disrupt LRPPRC protein function. In summary, the available evidence is currently insufficient to determine the role of this variant in disease. Therefore, it has been classified as a Variant of Uncertain Significance.

NM_133259.4(LRPPRC):c.1955A>G (p.Asp652Gly)

Gene: LRPPRC (leucine rich pentatricopeptide repeat containing; minus strand). Cytogenetic location: 2p21.
Variant type: single nucleotide variant.
Coding change: c.1955A>G on transcript NM_133259.4 (MANE Select); coding-DNA position 1955, A replaced by G.
Protein change: p.Asp652Gly; replaces aspartic acid 652 with glycine.
Molecular consequence: missense variant.
Genome position (GRCh38, 1-based): chr2:43,947,741, T>C on the plus strand (A>G on the coding strand, the complement: LRPPRC is on the minus strand). VCF-style: chr2-43947741-T-C. GRCh37 (hg19) VCF-style: chr2-44174880-T-C.
Other names: short protein forms D652G.
Identifiers: ClinVar variation 2845404 (VCV002845404.3), dbSNP rs1327089257, ClinGen allele CA346675740.